The following is an entry in ClinVar:

ClinVar aggregate classification (germline): Conflicting classifications of pathogenicity. Review status: criteria provided, conflicting classifications (1 of 4 stars). 2 submissions from 2 submitters: Likely pathogenic (1); Uncertain significance (1). Last evaluated 2024-10-30.

Conditions:
Noonan syndrome 10 (NS10). Identifiers: Orphanet 648, MedGen C4225280, MONDO:0014693, OMIM 616564.
Cardiovascular phenotype. Identifiers: MedGen CN230736.
Hereditary cancer-predisposing syndrome. Also called: Tumor predisposition; Hereditary Cancer Syndrome; Hereditary neoplastic syndrome; Neoplastic Syndromes, Hereditary. Identifiers: Orphanet 140162, MedGen C0027672, MeSH D009386, MONDO:0015356.

Submissions (2):

Department of Genetics, Rouen University Hospital, Normandy Center for Genomic and Personalized Medicine
Classification: Likely pathogenic for Noonan syndrome 10. Last evaluated: 2024-10-30. Review status: criteria provided, single submitter. Criteria: ACMG Guidelines, 2015. Collection method: clinical testing. Allele origin: de novo. Affected: yes.

Ambry Genetics
Classification: Uncertain significance for Cardiovascular phenotype; Hereditary cancer-predisposing syndrome. Last evaluated: 2022-07-21. Review status: criteria provided, single submitter. Criteria: Ambry Variant Classification Scheme 2023. Collection method: clinical testing. Allele origin: germline.
Comment: The p.C792W variant (also known as c.2376C>G), located in coding exon 20 of the LZTR1 gene, results from a C to G substitution at nucleotide position 2376. The cysteine at codon 792 is replaced by tryptophan, an amino acid with highly dissimilar properties. This amino acid position is conserved. In addition, this alteration is predicted to be deleterious by in silico analysis. Since supporting evidence is limited at this time, the clinical significance of this alteration remains unclear.

NM_006767.4(LZTR1):c.2376C>G (p.Cys792Trp)

Gene: LZTR1 (leucine zipper like post translational regulator 1; plus strand). Cytogenetic location: 22q11.21.
Variant type: single nucleotide variant.
Coding change: c.2376C>G on transcript NM_006767.4 (MANE Select); coding-DNA position 2376, C replaced by G.
Protein change: p.Cys792Trp; replaces cysteine 792 with tryptophan.
Molecular consequence: missense variant.
Genome position (GRCh38, 1-based): chr22:20,996,936, C>G. VCF-style: chr22-20996936-C-G. GRCh37 (hg19) VCF-style: chr22-21351225-C-G.
Other names: short protein forms C792W.
Identifiers: ClinVar variation 1790358 (VCV001790358.3), dbSNP rs2518626104, ClinGen allele CA410781113.